The following is an entry in ClinVar:

NM_000138.5(FBN1):c.2031T>A (p.Ala677=)

Gene: FBN1 (fibrillin 1; minus strand). Cytogenetic location: 15q21.1.
Variant type: single nucleotide variant.
Coding change: c.2031T>A on transcript NM_000138.5 (MANE Select); coding-DNA position 2031, T replaced by A.
Protein change: p.Ala677=; no amino-acid change (alanine 677 retained).
Molecular consequence: synonymous variant.
Genome position (GRCh38, 1-based): chr15:48,503,869, A>T on the plus strand (T>A on the coding strand, the complement: FBN1 is on the minus strand). VCF-style: chr15-48503869-A-T. GRCh37 (hg19) VCF-style: chr15-48796066-A-T.
Identifiers: ClinVar variation 886396 (VCV000886396.8), dbSNP rs762312642, ClinGen allele CA269548989.
Genomic context (GRCh38, chr15:48,503,869, plus strand): 5'-CTGGCAAGGTTCCCCAAATGCATACTCAGTGCTGGCGCAACAGCATTCAGATTTAGTGAC[A>T]GCACCAAACAAAGGTTTGATACACTGGCCTCTCTTGTATCCACCATAGCATGTGCTCCGC-3'
Protein context (NP_000129.3, residues 667-687): RGQCIKPLFG[Ala677=]VTKSECCCAS

ClinVar aggregate classification (germline): Conflicting classifications of pathogenicity. Review status: criteria provided, conflicting classifications (1 of 4 stars). 8 submissions from 3 submitters: Uncertain significance (6); Likely benign (2). Last evaluated 2023-08-15.

Conditions:
Acromicric dysplasia (ACMICD). Also called: Acromicric skeletal dysplasia. Identifiers: Orphanet 969, MedGen C0265287, MONDO:0007055, OMIM 102370.
Weill-Marchesani syndrome. Also called: WM Syndrome; Mesodermal dysmorphodystrophy congenital. Identifiers: Orphanet 3449, MedGen C0265313, MONDO:0018096.
Familial thoracic aortic aneurysm and aortic dissection (TAAD). Also called: Thoracic aortic aneurysms and dissections. Identifiers: Orphanet 91387, MedGen C4707243, MONDO:0019625.
Stiff skin syndrome (SSKS). Identifiers: Orphanet 2833, MedGen C1861456, MONDO:0008492, OMIM 184900.
Ectopia lentis 1, isolated, autosomal dominant (ECTOL1). Identifiers: Orphanet 1885, MedGen C3541518, MONDO:0007514, OMIM 129600.
Marfan syndrome (MFS). Also called: Marfan syndrome, classic; Marfan syndrome type 1; Marfan's syndrome; FBN1-Related Marfan Syndrome; MARFAN SYNDROME, TYPE I. Identifiers: Orphanet 284963, Orphanet 558, MedGen C0024796, MONDO:0007947, OMIM 154700.

Allele frequency attached by ClinVar (database versions not stated): gnomAD exomes 0.00001; TOPMed 0.00001.
gnomAD v4.1: 18 of 1,614,244 alleles (0.0011%); highest among the groups gnomAD compares: Non-Finnish European, 0.0015%; no homozygotes.

Submissions (8):

All of Us Research Program, National Institutes of Health
Classification: Likely benign for Marfan syndrome. Last evaluated: 2023-08-15. Review status: criteria provided, single submitter. Criteria: ACMG Guidelines, 2015. Collection method: clinical testing. Allele origin: germline. Inheritance: Autosomal dominant inheritance. Observed: 1 variant allele, 1 heterozygote.
Comment: This study involves interpretation of variants in research participants for the purpose of population health screening. Participant phenotype was not available at the time of variant classification. Additional details can be found in publication PMID: 35346344, PMCID: PMC8962531

Color Diagnostics, LLC DBA Color Health
Classification: Likely benign for Familial thoracic aortic aneurysm and aortic dissection. Last evaluated: 2021-01-04. Review status: criteria provided, single submitter. Criteria: ACMG Guidelines, 2015. Collection method: clinical testing. Allele origin: germline.

Illumina Laboratory Services, Illumina
Classification: Uncertain significance for Stiff skin syndrome. Last evaluated: 2018-01-13. Review status: criteria provided, single submitter. Criteria: ICSL Variant Classification Criteria 13 December 2019. Collection method: clinical testing. Allele origin: germline.

Illumina Laboratory Services, Illumina
Classification: Uncertain significance for Marfan syndrome. Last evaluated: 2018-01-13. Review status: criteria provided, single submitter. Criteria: ICSL Variant Classification Criteria 13 December 2019. Collection method: clinical testing. Allele origin: germline.

Illumina Laboratory Services, Illumina
Classification: Uncertain significance for Ectopia lentis 1, isolated, autosomal dominant. Last evaluated: 2018-01-13. Review status: criteria provided, single submitter. Criteria: ICSL Variant Classification Criteria 13 December 2019. Collection method: clinical testing. Allele origin: germline.

Illumina Laboratory Services, Illumina
Classification: Uncertain significance for Familial thoracic aortic aneurysm and aortic dissection. Last evaluated: 2018-01-13. Review status: criteria provided, single submitter. Criteria: ICSL Variant Classification Criteria 13 December 2019. Collection method: clinical testing. Allele origin: germline.

Illumina Laboratory Services, Illumina
Classification: Uncertain significance for Weill-Marchesani syndrome. Last evaluated: 2018-01-13. Review status: criteria provided, single submitter. Criteria: ICSL Variant Classification Criteria 13 December 2019. Collection method: clinical testing. Allele origin: germline.

Illumina Laboratory Services, Illumina
Classification: Uncertain significance for Acromicric dysplasia. Last evaluated: 2018-01-13. Review status: criteria provided, single submitter. Criteria: ICSL Variant Classification Criteria 13 December 2019. Collection method: clinical testing. Allele origin: germline.